The following is an entry in ClinVar:

ClinVar aggregate classification (germline): Uncertain significance (1 of 4 stars; one submission).

Conditions:
Autosomal dominant nonsyndromic hearing loss 65. Also called: Deafness, autosomal dominant 65; TBC1D24-Related Autosomal Dominant Nonsyndromic Hearing Loss (DFNA). Identifiers: Orphanet 90635, MedGen C3892048, MONDO:0014470, OMIM 616044.
Developmental and epileptic encephalopathy, 1 (DEE1). Also called: X-linked infantile spasms; West's syndrome; Tonic spasms with clustering, arrest of psychomotor development and hypsarrhythmia on EEG; X-Linked Infantile Spasm Syndrome; OHTAHARA SYNDROME, X-LINKED; INFANTILE SPASM SYNDROME, X-LINKED 1. Identifiers: MedGen C3463992, MONDO:0010632, OMIM 308350. Disease mechanism: loss of function.

Allele frequency attached by ClinVar (database versions not stated): gnomAD exomes 0.00001; TOPMed below 0.00001.
gnomAD v4.1: 13 of 1,612,802 alleles (0.00081%); highest among the groups gnomAD compares: East Asian, 0.0045%; no homozygotes.

Submission:

Labcorp Genetics (formerly Invitae), Labcorp
Classification: Uncertain significance for Developmental and epileptic encephalopathy, 1; Autosomal dominant nonsyndromic hearing loss 65. Last evaluated: 2023-12-27. Review status: criteria provided, single submitter. Criteria: Invitae Variant Classification Sherloc (09022015). Collection method: clinical testing. Allele origin: germline.
Comment: This sequence change replaces glutamic acid, which is acidic and polar, with lysine, which is basic and polar, at codon 94 of the TBC1D24 protein (p.Glu94Lys). This variant is present in population databases (no rsID available, gnomAD 0.006%). This variant has not been reported in the literature in individuals affected with TBC1D24-related conditions. ClinVar contains an entry for this variant (Variation ID: 1505798). Advanced modeling of protein sequence and biophysical properties (such as structural, functional, and spatial information, amino acid conservation, physicochemical variation, residue mobility, and thermodynamic stability) performed at Invitae indicates that this missense variant is not expected to disrupt TBC1D24 protein function with a negative predictive value of 80%. In summary, the available evidence is currently insufficient to determine the role of this variant in disease. Therefore, it has been classified as a Variant of Uncertain Significance.

NM_001199107.2(TBC1D24):c.280G>A (p.Glu94Lys)

Gene: TBC1D24 (TBC1 domain family member 24; plus strand). Cytogenetic location: 16p13.3.
Variant type: single nucleotide variant.
Coding change: c.280G>A on transcript NM_001199107.2 (MANE Select); coding-DNA position 280, G replaced by A.
Protein change: p.Glu94Lys; replaces glutamic acid 94 with lysine.
Molecular consequence: missense variant.
Genome position (GRCh38, 1-based): chr16:2,496,428, G>A. VCF-style: chr16-2496428-G-A. GRCh37 (hg19) VCF-style: chr16-2546429-G-A.
Other names: c.280G>A, p.Glu94Lys (NM_020705.3); short protein forms E94K.
Identifiers: ClinVar variation 1505798 (VCV001505798.8), dbSNP rs1343535255, ClinGen allele CA394375311.
Genomic context (GRCh38, chr16:2,496,428, plus strand): 5'-TACAGCGACATCGTGGGCAAGATCGTGGGCAAGCACAGCAGCAGCTGCCTGCCGCTGCCC[G>A]AGTTCGTGGACAACACGCAGGTGCCCAGCTACTGCCTGAATGCACGCGGCGAGGGGGCCG-3'
Protein context (NP_001186036.1, residues 84-104): KHSSSCLPLP[Glu94Lys]FVDNTQVPSY